The following is an entry in ClinVar:

ClinVar aggregate classification (germline): Pathogenic (1 of 4 stars; one submission).

Conditions:
Familial intrahepatic cholestasis. Identifiers: Orphanet 284385, MedGen CN296401, MONDO:0017290.

Submission:

Genomenon, Inc
Classification: Pathogenic for Familial intrahepatic cholestasis. Last evaluated: 2026-04-14. Review status: criteria provided, single submitter. Criteria: Genomenon Sequence Variant Interpretation Standards - Updated. Collection method: curation. Allele origin: germline. Affected: yes.
Comment: ABCB4 p.Gln1117HisfsTer7 (c.3350_3351insT) is a frameshift variant that results in the production of a truncated protein which is predicted to undergo nonsense-mediated mRNA decay. This variant has been observed in at least one proband with an ABCB4-related disorder (PMID:34942279). It is absent or not present at a significant frequency in gnomAD. In conclusion, we classify ABCB4 p.Gln1117HisfsTer7 (c.3350_3351insT) as a pathogenic variant.

Literature cited by the submitters: PubMed 34942279.

NM_000443.4(ABCB4):c.3350_3351insT (p.Gln1117fs)

Gene: ABCB4 (ATP binding cassette subfamily B member 4; minus strand). Cytogenetic location: 7q21.12.
Variant type: Insertion.
Coding change: c.3350_3351insT on transcript NM_000443.4 (MANE Select); coding-DNA positions 3350 to 3351, T inserted.
Protein change: p.Gln1117fs; shifts the reading frame from glutamine 1117.
Molecular consequence: frameshift variant.
Genome position: GRCh38 VCF-style: chr7-87406423-C-CA. GRCh37 (hg19) VCF-style: chr7-87035739-C-CA.
Other names: c.3371_3372insT, p.Gln1124fs (NM_018849.3); c.3209_3210insT, p.Gln1070fs (NM_018850.3); short protein forms Q1070fs, Q1117fs, Q1124fs.
Identifiers: ClinVar variation 4846577 (VCV004846577.1).